The following is an entry in ClinVar:

ClinVar aggregate classification (germline): Likely pathogenic (1 of 4 stars; one submission).

Conditions:
Noonan syndrome 10 (NS10). Identifiers: Orphanet 648, MedGen C4225280, MONDO:0014693, OMIM 616564.

Submission:

Victorian Clinical Genetics Services, Murdoch Childrens Research Institute
Classification: Likely pathogenic for Noonan syndrome 10. Last evaluated: 2020-10-19. Review status: criteria provided, single submitter. Criteria: ACMG Guidelines, 2015. Collection method: clinical testing. Allele origin: germline. Inheritance: Autosomal dominant inheritance.
Comment: Based on the classification scheme VCGS_Germline_v1.3.3, this variant is classified as Likely pathogenic. Following criteria are met: 0101 - Gain of function is a known mechanism of disease in this gene and is associated with Noonan syndrome 10 (MIM#616564) (PMID:30481304). (I) 0107 - This gene is associated with autosomal dominant disease. (I) 0213 - In-frame insertion/deletion in a non-repetitive region that has high conservation. (SP) 0251 - This variant is heterozygous. (I) 0301 - Variant is absent from gnomAD (both v2 and v3). (SP) 0600 - Variant is located in the annotated Kelch domain (PDB). (I) 0703 - Missense variants at position 91 causing a change to threonine have been reported as likely pathogenic (ClinVar). Additionally, another missense variant at the same position causing a change to valine has been reported as VUS in patients with Noonan syndrome and rasopathy (ClinVar) where variant has been shown to affect normal protein function (PMID:30481304). (SP) 0807 - This variant has no previous evidence of pathogenicity. (I) 0905 - No published segregation evidence has been identified for this variant. (I) 1007 - No published functional evidence has been identified for this variant. (SP) Legend: (SP) - Supporting pathogenic, (I) - Information, (SB) - Supporting benign

Literature cited by the submitters: PubMed 30481304.

NM_006767.4(LZTR1):c.273_274delinsAA (p.Met91_Leu92delinsIleIle)

Gene: LZTR1 (leucine zipper like post translational regulator 1; plus strand). Cytogenetic location: 22q11.21.
Variant type: Indel.
Coding change: c.273_274delinsAA on transcript NM_006767.4 (MANE Select); coding-DNA positions 273 to 274, GC replaced by AA.
Protein change: p.Met91_Leu92delinsIleIle.
Molecular consequence: missense variant.
Genome position (GRCh38, 1-based): chr22:20,985,850-20,985,851, GC replaced by AA. VCF-style: chr22-20985850-GC-AA. GRCh37 (hg19) VCF-style: chr22-21340139-GC-AA.
Identifiers: ClinVar variation 1806110 (VCV001806110.1), dbSNP rs2518610602, ClinGen allele CA1139532832.
Genomic context (GRCh38, chr22:20,985,850, plus strand): 5'-ACTGCAGAGTAGACCTGGCTAATGCCACCCTCTCTTCCGGCTGCCTTTCAGGAAGACCAT[GC>AA]TCAATGACCTCCTGCGGTTCGATGTGAAAGACTGCTCCTGGTGCAGGTGGGTGGCCCCGT-3'